The following is an entry in ClinVar:

NM_030632.3(ASXL3):c.2557C>G (p.Pro853Ala)

Gene: ASXL3 (ASXL transcriptional regulator 3; plus strand). Cytogenetic location: 18q12.1.
Variant type: single nucleotide variant.
Coding change: c.2557C>G on transcript NM_030632.3 (MANE Select); coding-DNA position 2557, C replaced by G.
Protein change: p.Pro853Ala; replaces proline 853 with alanine.
Molecular consequence: missense variant.
Genome position (GRCh38, 1-based): chr18:33,739,961, C>G. VCF-style: chr18-33739961-C-G. GRCh37 (hg19) VCF-style: chr18-31319925-C-G.
Other names: short protein forms P853A.
Identifiers: ClinVar variation 3234674 (VCV003234674.20), dbSNP rs2510920034, ClinGen allele CA402180589.

ClinVar aggregate classification (germline): Uncertain significance (1 of 4 stars; one submission).

Submission:

CeGaT Center for Human Genetics Tuebingen
Classification: Uncertain significance. Last evaluated: 2024-04-01. Review status: criteria provided, single submitter. Criteria: CeGaT Center For Human Genetics Tuebingen Variant Classification Criteria Version 2. Collection method: clinical testing. Allele origin: germline. Affected: yes. Observed: 1 variant allele.
Comment: ASXL3: PM2, BP4